The following is an entry in ClinVar:

NM_001184.4(ATR):c.7655+169A>C

Gene: ATR (ATR checkpoint kinase; minus strand). Cytogenetic location: 3q23.
Variant type: single nucleotide variant.
Coding change: c.7655+169A>C on transcript NM_001184.4 (MANE Select); 169 bases into the intron after coding-DNA position 7655, A replaced by C.
Molecular consequence: intron variant.
Genome position (GRCh38, 1-based): chr3:142,457,435, T>G on the plus strand (A>C on the coding strand, the complement: ATR is on the minus strand). VCF-style: chr3-142457435-T-G. GRCh37 (hg19) VCF-style: chr3-142176277-T-G.
Other names: c.7463+169A>C (NM_001354579.2).
Identifiers: ClinVar variation 676999 (VCV000676999.1), dbSNP rs74775064, ClinGen allele CA84724630.

ClinVar aggregate classification (germline): Benign (1 of 4 stars; one submission).

Allele frequency attached by ClinVar (database versions not stated): gnomAD 0.03980 and 0.04282; 1000 Genomes Project 0.04054; 1000 Genomes Project 30x 0.04497; TOPMed 0.04593.
gnomAD v4.1: 5,992 of 152,240 alleles (3.9%); highest among the groups gnomAD compares: African/African-American, 14%; 390 homozygotes.

Submission:

GeneDx
Classification: Benign. Last evaluated: 2018-06-16. Review status: criteria provided, single submitter. Criteria: GeneDx Variant Classification (06012015). Collection method: clinical testing. Allele origin: germline. Affected: yes.
Comment: This variant is considered likely benign or benign based on one or more of the following criteria: it is a conservative change, it occurs at a poorly conserved position in the protein, it is predicted to be benign by multiple in silico algorithms, and/or has population frequency not consistent with disease.